The following is an entry in ClinVar:

ClinVar aggregate classification (germline): Likely benign (1 of 4 stars; one submission).

Conditions:
SLC29A4-related disorder. Also called: SLC29A4-related condition.

Submission:

PreventionGenetics, part of Exact Sciences
Classification: Likely benign for SLC29A4-related condition. Last evaluated: 2025-02-22. Review status: criteria provided, single submitter. Criteria: ACMG Guidelines, 2015. Collection method: clinical testing. Allele origin: germline.
Comment: This variant is classified as likely benign based on ACMG/AMP sequence variant interpretation guidelines (Richards et al. 2015 PMID: 25741868, with internal and published modifications).

NM_153247.4(SLC29A4):c.1581C>T (p.Leu527=)

Gene: SLC29A4 (solute carrier family 29 member 4; plus strand). Cytogenetic location: 7p22.1.
Variant type: single nucleotide variant.
Coding change: c.1581C>T on transcript NM_153247.4 (MANE Select); coding-DNA position 1581, C replaced by T.
Protein change: p.Leu527=; no amino-acid change (leucine 527 retained).
Molecular consequence: synonymous variant.
Genome position (GRCh38, 1-based): chr7:5,302,927, C>T. VCF-style: chr7-5302927-C-T. GRCh37 (hg19) VCF-style: chr7-5342558-C-T.
Other names: c.1581C>T, p.Leu527= (NM_001040661.3); c.1539C>T, p.Leu513= (NM_001300847.3).
Identifiers: ClinVar variation 4981733 (VCV004981733.1).